The following is an entry in ClinVar:

NM_182931.3(KMT2E):c.4990C>A (p.Pro1664Thr)

Gene: KMT2E (lysine methyltransferase 2E (inactive); plus strand). Cytogenetic location: 7q22.3.
Variant type: single nucleotide variant.
Coding change: c.4990C>A on transcript NM_182931.3 (MANE Select); coding-DNA position 4990, C replaced by A.
Protein change: p.Pro1664Thr; replaces proline 1664 with threonine.
Molecular consequence: missense variant.
Genome position (GRCh38, 1-based): chr7:105,112,746, C>A. VCF-style: chr7-105112746-C-A. GRCh37 (hg19) VCF-style: chr7-104753193-C-A.
Other names: c.4990C>A (NM_182931.2); c.4864C>A, p.Pro1622Thr (NM_001410908.1); c.4990C>A, p.Pro1664Thr (NM_018682.4); short protein forms P1622T, P1664T.
Identifiers: ClinVar variation 2909511 (VCV002909511.4), dbSNP rs762420580, ClinGen allele CA4424876.
Genomic context (GRCh38, chr7:105,112,746, plus strand): 5'-CCGAATTCCCATCAGCAACACTCTGTAGCACATGTAGTAGGGCCTGTTCATGCGGTCACC[C>A]CTGGGTCGCATATTCATTCTCAAACTGCTGGACACCACTTACCCCCACCCCCACCCCCTC-3'
Protein context (NP_891847.1, residues 1654-1674): HVVGPVHAVT[Pro1664Thr]GSHIHSQTAG

ClinVar aggregate classification (germline): Conflicting classifications of pathogenicity. Review status: criteria provided, conflicting classifications (1 of 4 stars). 2 submissions from 2 submitters: Uncertain significance (1); Likely benign (1). Last evaluated 2025-07-21.

Conditions:
Inborn genetic diseases. Identifiers: MedGen C0950123, MeSH D030342.

Allele frequency attached by ClinVar (database versions not stated): TOPMed 0.00001; gnomAD exomes 0.00002; ExAC 0.00004.
gnomAD v4.1: 10 of 1,613,660 alleles (0.00062%); highest among the groups gnomAD compares: Admixed American, 0.017%; no homozygotes.

Submissions (2):

Ambry Genetics
Classification: Likely benign for Inborn genetic diseases. Last evaluated: 2025-07-21. Review status: criteria provided, single submitter. Criteria: Ambry Variant Classification Scheme 2023. Collection method: clinical testing. Allele origin: germline.

Labcorp Genetics (formerly Invitae), Labcorp
Classification: Uncertain significance. Last evaluated: 2025-02-06. Review status: criteria provided, single submitter. Criteria: Invitae Variant Classification Sherloc (09022015). Collection method: clinical testing. Allele origin: germline.
Comment: This sequence change replaces proline, which is neutral and non-polar, with threonine, which is neutral and polar, at codon 1664 of the KMT2E protein (p.Pro1664Thr). This variant is present in population databases (rs762420580, gnomAD 0.03%). This variant has not been reported in the literature in individuals affected with KMT2E-related conditions. ClinVar contains an entry for this variant (Variation ID: 2909511). An algorithm developed to predict the effect of missense changes on protein structure and function (PolyPhen-2) suggests that this variant is likely to be tolerated. In summary, the available evidence is currently insufficient to determine the role of this variant in disease. Therefore, it has been classified as a Variant of Uncertain Significance.